The following is an entry in ClinVar:

ClinVar aggregate classification (germline): Benign/Likely benign. Review status: criteria provided, multiple submitters, no conflicts (2 of 4 stars). 3 submissions from 3 submitters: Benign (1); Likely benign (2). Last evaluated 2026-05-30.

Conditions:
Hereditary cancer-predisposing syndrome. Also called: Neoplastic Syndromes, Hereditary; Tumor predisposition; Hereditary Cancer Syndrome; Hereditary neoplastic syndrome. Identifiers: Orphanet 140162, MedGen C0027672, MeSH D009386, MONDO:0015356.
Fanconi anemia complementation group O. Also called: RAD51C-Related Fanconi Anemia. Identifiers: Orphanet 84, MedGen C3150653, MONDO:0013248, OMIM 613390.
Breast-ovarian cancer, familial, susceptibility to, 3. Also called: RAD51C-Related Breast/Ovarian Cancer. Identifiers: Orphanet 145, MedGen C3150659, MONDO:0013253, OMIM 613399.

Submissions (3):

Ambry Genetics
Classification: Likely benign for Hereditary cancer-predisposing syndrome. Last evaluated: 2026-05-30. Review status: criteria provided, single submitter. Criteria: Ambry Variant Classification Scheme 2023. Collection method: clinical testing. Allele origin: germline.

Myriad Genetics, Inc.
Classification: Benign for Breast-ovarian cancer, familial, susceptibility to, 3. Last evaluated: 2025-02-19. Review status: criteria provided, single submitter. Criteria: Myriad Autosomal Dominant, Autosomal Recessive and X-Linked Classification Criteria (2023). Collection method: clinical testing. Allele origin: unknown.
Comment: This variant is considered benign. This variant is a silent/synonymous amino acid change and it is not expected to impact splicing.

Labcorp Genetics (formerly Invitae), Labcorp
Classification: Likely benign for Fanconi anemia complementation group O. Last evaluated: 2022-08-29. Review status: criteria provided, single submitter. Criteria: Invitae Variant Classification Sherloc (09022015). Collection method: clinical testing. Allele origin: germline.

NM_058216.3(RAD51C):c.1104G>A (p.Arg368=)

Gene: RAD51C (RAD51 paralog C; plus strand). Cytogenetic location: 17q22.
Variant type: single nucleotide variant.
Coding change: c.1104G>A on transcript NM_058216.3 (MANE Select); coding-DNA position 1104, G replaced by A.
Protein change: p.Arg368=; no amino-acid change (arginine 368 retained).
Molecular consequence: synonymous variant. On other transcripts: non-coding transcript variant (1).
Genome position (GRCh38, 1-based): chr17:58,734,195, G>A. VCF-style: chr17-58734195-G-A. GRCh37 (hg19) VCF-style: chr17-56811556-G-A.
Other names: c.*532G>A (NM_058217.1).
Identifiers: ClinVar variation 1975629 (VCV001975629.7), dbSNP rs2144062555, ClinGen allele CA501076211.